The following is an entry in ClinVar:

NM_000051.4(ATM):c.3890A>G (p.Tyr1297Cys)

Gene: ATM (ATM serine/threonine kinase; plus strand). Cytogenetic location: 11q22.3.
Variant type: single nucleotide variant.
Coding change: c.3890A>G on transcript NM_000051.4 (MANE Select); coding-DNA position 3890, A replaced by G.
Protein change: p.Tyr1297Cys; replaces tyrosine 1297 with cysteine.
Molecular consequence: missense variant.
Genome position (GRCh38, 1-based): chr11:108,284,370, A>G. VCF-style: chr11-108284370-A-G. GRCh37 (hg19) VCF-style: chr11-108155097-A-G.
Other names: c.3890A>G, p.Tyr1297Cys (NM_001351834.2); short protein forms Y1297C.
Identifiers: ClinVar variation 656420 (VCV000656420.8), dbSNP rs1591646047, ClinGen allele CA382525502.

ClinVar aggregate classification (germline): Uncertain significance (1 of 4 stars; one submission).

Conditions:
Ataxia-telangiectasia syndrome (AT). Also called: ATAXIA-TELANGIECTASIA, FRESNO VARIANT; Ataxia-telangiectasia, complementation group D; Cerebello-oculocutaneous telangiectasia; Immunodeficiency with ataxia telangiectasia; Ataxia-telangiectasia; Ataxia telangiectasia (A-T). Identifiers: Orphanet 100, MedGen C0004135, MONDO:0008840, OMIM 208900.

Submission:

Labcorp Genetics (formerly Invitae), Labcorp
Classification: Uncertain significance for Ataxia-telangiectasia syndrome. Last evaluated: 2018-10-03. Review status: criteria provided, single submitter. Criteria: Invitae Variant Classification Sherloc (09022015). Collection method: clinical testing. Allele origin: germline.
Comment: In summary, the available evidence is currently insufficient to determine the role of this variant in disease. Therefore, it has been classified as a Variant of Uncertain Significance. Algorithms developed to predict the effect of missense changes on protein structure and function are either unavailable or do not agree on the potential impact of this missense change (SIFT: "Tolerated"; PolyPhen-2: "Benign"; Align-GVGD: "Class C25"). This variant has not been reported in the literature in individuals with ATM-related disease. This variant is not present in population databases (ExAC no frequency). This sequence change replaces tyrosine with cysteine at codon 1297 of the ATM protein (p.Tyr1297Cys). The tyrosine residue is moderately conserved and there is a large physicochemical difference between tyrosine and cysteine.